The following is an entry in ClinVar:

ClinVar aggregate classification (germline): Uncertain significance (1 of 4 stars; one submission).

Submission:

Labcorp Genetics (formerly Invitae), Labcorp
Classification: Uncertain significance. Last evaluated: 2022-07-12. Review status: criteria provided, single submitter. Criteria: Invitae Variant Classification Sherloc (09022015). Collection method: clinical testing. Allele origin: germline.
Comment: This variant, c.415_417del, results in the deletion of 1 amino acid(s) of the ARPC1B protein (p.Lys139del), but otherwise preserves the integrity of the reading frame. This variant is present in population databases (no rsID available, gnomAD 0.002%). This variant has not been reported in the literature in individuals affected with ARPC1B-related conditions. Experimental studies and prediction algorithms are not available or were not evaluated, and the functional significance of this variant is currently unknown. In summary, the available evidence is currently insufficient to determine the role of this variant in disease. Therefore, it has been classified as a Variant of Uncertain Significance.

NM_005720.4(ARPC1B):c.412AAG[1] (p.Lys139del)

Gene: ARPC1B (actin related protein 2/3 complex subunit 1B; plus strand). Cytogenetic location: 7q22.1.
Variant type: Microsatellite.
Coding change: c.412AAG[1] on transcript NM_005720.4 (MANE Select); one copy of the 3-base unit AAG starting at c.412; the reference has two copies in a row; one copy, 3 bases deleted.
Protein change: p.Lys139del; deletes lysine 139.
Molecular consequence: inframe deletion.
Genome position (GRCh38, 1-based): chr7:99,389,927-99,389,929, AAG deleted; deleting any 3 consecutive bases within chr7:99,389,924-99,389,929 gives the same sequence; the position shown is the placement nearest the transcript's 3' end. VCF-style (leftmost placement, unchanged base first): chr7-99389923-CAAG-C. GRCh37 (hg19) VCF-style: chr7-98987546-CAAG-C.
Other names: short protein forms K139del.
Identifiers: ClinVar variation 1348273 (VCV001348273.7), dbSNP rs1279922140, ClinGen allele CA576395682.
Genomic context (GRCh38, chr7:99,389,923, plus strand): 5'-TGCCTGTCCCTCTCTCCCTGTCTGCCTGACCACCGTTCCCAGGTGGGTTTGCAAGCACAT[CAAG>C]AAGCCCATCCGCTCCACCGTCCTCAGCCTGGACTGGCACCCCAACAATGTGCTGCTGGCT-3'